The following is an entry in ClinVar:

NM_001273.5(CHD4):c.3752A>G (p.Asp1251Gly)

Gene: CHD4 (chromodomain helicase DNA binding protein 4; minus strand). Cytogenetic location: 12p13.31.
Variant type: single nucleotide variant.
Coding change: c.3752A>G on transcript NM_001273.5 (MANE Select); coding-DNA position 3752, A replaced by G.
Protein change: p.Asp1251Gly; replaces aspartic acid 1251 with glycine.
Molecular consequence: missense variant.
Genome position (GRCh38, 1-based): chr12:6,587,511, T>C on the plus strand (A>G on the coding strand, the complement: CHD4 is on the minus strand). VCF-style: chr12-6587511-T-C. GRCh37 (hg19) VCF-style: chr12-6696677-T-C.
Other names: c.3731A>G, p.Asp1244Gly (NM_001297553.2); c.3713A>G, p.Asp1238Gly (NM_001363606.2); short protein forms D1238G, D1244G, D1251G.
Identifiers: ClinVar variation 3004275 (VCV003004275.3), dbSNP rs2540389825, ClinGen allele CA383581034.

ClinVar aggregate classification (germline): Uncertain significance (1 of 4 stars; one submission).

Allele frequency attached by ClinVar (database versions not stated): gnomAD exomes below 0.00001.
gnomAD v4.1: 1 of 1,614,202 alleles (0.000062%); highest among the groups gnomAD compares: Non-Finnish European, 0.000085%; no homozygotes.

Submission:

Labcorp Genetics (formerly Invitae), Labcorp
Classification: Uncertain significance. Last evaluated: 2023-04-25. Review status: criteria provided, single submitter. Criteria: Invitae Variant Classification Sherloc (09022015). Collection method: clinical testing. Allele origin: germline.
Comment: In summary, the available evidence is currently insufficient to determine the role of this variant in disease. Therefore, it has been classified as a Variant of Uncertain Significance. Advanced modeling of protein sequence and biophysical properties (such as structural, functional, and spatial information, amino acid conservation, physicochemical variation, residue mobility, and thermodynamic stability) performed at Invitae indicates that this missense variant is not expected to disrupt CHD4 protein function. This variant is not present in population databases (gnomAD no frequency). This variant has not been reported in the literature in individuals affected with CHD4-related conditions. This sequence change replaces aspartic acid, which is acidic and polar, with glycine, which is neutral and non-polar, at codon 1251 of the CHD4 protein (p.Asp1251Gly).